The following is an entry in ClinVar:

NM_000548.5(TSC2):c.2098-4G>C

Gene: TSC2 (TSC complex subunit 2; plus strand). Cytogenetic location: 16p13.3.
Variant type: single nucleotide variant.
Coding change: c.2098-4G>C on transcript NM_000548.5 (MANE Select); 4 bases into the intron before coding-DNA position 2098, G replaced by C.
Molecular consequence: intron variant. On other transcripts: non-coding transcript variant (2).
Genome position (GRCh38, 1-based): chr16:2,072,237, G>C. VCF-style: chr16-2072237-G-C. GRCh37 (hg19) VCF-style: chr16-2122238-G-C.
Other names: c.754-4G>C (NM_001406693.1, NM_001406689.1, NM_001406690.1 and 6 more transcripts); c.2188-4G>C (NM_001406667.1, NM_001406668.1); c.1498-4G>C (NM_001406680.1, NM_001406683.1, NM_001406687.1 and 6 more transcripts); c.496-4G>C (NM_001406698.1); c.2098-4G>C (NM_001114382.3, NM_001406663.1, NM_001406664.1 and 6 more transcripts); c.2086-4G>C (NM_001406671.1, NM_001406673.1); c.1636-4G>C (NM_001406681.1); c.1987-4G>C (NM_001406670.1, NM_001318827.2, NM_001406678.1); and 3 more.
Identifiers: ClinVar variation 3643362 (VCV003643362.2).

ClinVar aggregate classification (germline): Uncertain significance (1 of 4 stars; one submission).

Conditions:
Tuberous sclerosis 2 (TSC2). Identifiers: Orphanet 805, MedGen C1860707, MONDO:0013199, OMIM 613254.

gnomAD v4.1: 2 of 1,613,918 alleles (0.00012%); no homozygotes.

Submission:

Labcorp Genetics (formerly Invitae), Labcorp
Classification: Uncertain significance for Tuberous sclerosis 2. Last evaluated: 2024-02-26. Review status: criteria provided, single submitter. Criteria: Invitae Variant Classification Sherloc (09022015). Collection method: clinical testing. Allele origin: germline.
Comment: This sequence change falls in intron 19 of the TSC2 gene. It does not directly change the encoded amino acid sequence of the TSC2 protein. This variant is not present in population databases (gnomAD no frequency). This variant has not been reported in the literature in individuals affected with TSC2-related conditions. Algorithms developed to predict the effect of sequence changes on RNA splicing suggest that this variant may disrupt the consensus splice site. In summary, the available evidence is currently insufficient to determine the role of this variant in disease. Therefore, it has been classified as a Variant of Uncertain Significance.